The following is an entry in ClinVar:

NM_005592.4(MUSK):c.1324T>A (p.Trp442Arg)

Gene: MUSK (muscle associated receptor tyrosine kinase; plus strand). Cytogenetic location: 9q31.3.
Variant type: single nucleotide variant.
Coding change: c.1324T>A on transcript NM_005592.4 (MANE Select); coding-DNA position 1324, T replaced by A.
Protein change: p.Trp442Arg; replaces tryptophan 442 with arginine.
Molecular consequence: missense variant.
Genome position (GRCh38, 1-based): chr9:110,775,927, T>A. VCF-style: chr9-110775927-T-A. GRCh37 (hg19) VCF-style: chr9-113538207-T-A.
Other names: c.1090T>A, p.Trp364Arg (NM_001166280.2); c.1060T>A, p.Trp354Arg (NM_001166281.2); c.88T>A, p.Trp30Arg (NM_001369398.1); short protein forms W30R, W442R, W354R, W364R.
Identifiers: ClinVar variation 2125140 (VCV002125140.4), dbSNP rs2077664361, ClinGen allele CA374473324.

ClinVar aggregate classification (germline): Uncertain significance (1 of 4 stars; one submission).

Conditions:
Fetal akinesia deformation sequence 1 (FADS1). Also called: Fetal akinesia sequence; Pena-Shokeir syndrome type I. Identifiers: Orphanet 994, MedGen C1276035, MONDO:0100101, OMIM 208150, HP:0001989.
Congenital myasthenic syndrome 9. Also called: Myasthenic syndrome, congenital, 9, associated with acetylcholine receptor deficiency. Identifiers: Orphanet 590, MedGen C4225368, MONDO:0014587, OMIM 616325.

Allele frequency attached by ClinVar (database versions not stated): gnomAD 0.00001.
gnomAD v4.1: 2 of 1,613,812 alleles (0.00012%); highest among the groups gnomAD compares: Non-Finnish European, 0.00017%; no homozygotes.

Submission:

Labcorp Genetics (formerly Invitae), Labcorp
Classification: Uncertain significance for Congenital myasthenic syndrome 9; Fetal akinesia deformation sequence 1. Last evaluated: 2024-02-24. Review status: criteria provided, single submitter. Criteria: Invitae Variant Classification Sherloc (09022015). Collection method: clinical testing. Allele origin: germline.
Comment: This sequence change replaces tryptophan, which is neutral and slightly polar, with arginine, which is basic and polar, at codon 442 of the MUSK protein (p.Trp442Arg). This variant is not present in population databases (gnomAD no frequency). This variant has not been reported in the literature in individuals affected with MUSK-related conditions. ClinVar contains an entry for this variant (Variation ID: 2125140). Advanced modeling of protein sequence and biophysical properties (such as structural, functional, and spatial information, amino acid conservation, physicochemical variation, residue mobility, and thermodynamic stability) performed at Invitae indicates that this missense variant is not expected to disrupt MUSK protein function with a negative predictive value of 80%. In summary, the available evidence is currently insufficient to determine the role of this variant in disease. Therefore, it has been classified as a Variant of Uncertain Significance.